The following is an entry in ClinVar:

NC_000009.12:g.(?_127815672)_(127854482_?)del

Gene: ENG (endoglin; minus strand). Cytogenetic location: 9q34.11.
Variant type: Deletion.
Identifiers: ClinVar variation 831730 (VCV000831730.1).

ClinVar aggregate classification (germline): Pathogenic (1 of 4 stars; one submission).

Conditions:
Hereditary hemorrhagic telangiectasia (HHT). Also called: ORW DISEASE; Osler Weber Rendu syndrome; OSLER-RENDU-WEBER DISEASE; Osler hemorrhagic telangiectasia syndrome. Identifiers: Orphanet 774, MedGen C0039445, MONDO:0019180. Disease mechanism: loss of function.

Submission:

Labcorp Genetics (formerly Invitae), Labcorp
Classification: Pathogenic for Hereditary hemorrhagic telangiectasia. Last evaluated: 2019-03-23. Review status: criteria provided, single submitter. Criteria: Invitae Variant Classification Sherloc (09022015). Collection method: clinical testing. Allele origin: germline.
Comment: A gross deletion of the genomic region encompassing the full coding sequence of the ENG gene has been identified. The boundaries of this event are unknown as the deletion extends beyond the assayed region for this gene and therefore may encompass additional genes. A similar whole-gene deletion of ENG has been reported in individuals affected with hereditary hemorrhagic telangiectasia (PMID: 20414677), while larger copy number events that include this gene also have been reported (PMID: 24267784, 22722545, 26395556). Loss-of-function variants in ENG are known to be pathogenic (PMID: 15879500, 20656886, 22385575). For these reasons, this variant has been classified as Pathogenic.

Literature cited by the submitters: PubMed 20414677; PubMed 26395556; PubMed 24267784; PubMed 22722545.